The following is an entry in ClinVar:

NM_172107.4(KCNQ2):c.792C>T (p.Tyr264=)

Gene: KCNQ2 (potassium voltage-gated channel subfamily Q member 2; minus strand). Cytogenetic location: 20q13.33.
Variant type: single nucleotide variant.
Coding change: c.792C>T on transcript NM_172107.4 (MANE Select); coding-DNA position 792, C replaced by T.
Protein change: p.Tyr264=; no amino-acid change (tyrosine 264 retained).
Molecular consequence: synonymous variant.
Genome position (GRCh38, 1-based): chr20:63,442,430, G>A on the plus strand (C>T on the coding strand, the complement: KCNQ2 is on the minus strand). VCF-style: chr20-63442430-G-A. GRCh37 (hg19) VCF-style: chr20-62073783-G-A.
Other names: c.792C>T, p.Tyr264= (NM_004518.6, NM_172106.3, NM_172108.5 and 1 more transcripts).
Identifiers: ClinVar variation 384366 (VCV000384366.24), dbSNP rs143399744, ClinGen allele CA9958735.

ClinVar aggregate classification (germline): Likely benign. Review status: criteria provided, multiple submitters, no conflicts (2 of 4 stars). 5 submissions from 5 submitters: Likely benign (5). Last evaluated 2026-03-01.

Conditions:
Early-infantile DEE. Also called: Early infantile epileptic encephalopathy; Ohtahara syndrome; Early infantile epileptic encephalopathy with suppression bursts. Identifiers: Orphanet 1934, MedGen C0393706, MONDO:0800491.
Inborn genetic diseases. Identifiers: MedGen C0950123, MeSH D030342.

Allele frequency attached by ClinVar (database versions not stated): ExAC 0.00009; TOPMed 0.00013; gnomAD exomes 0.00014 and 0.00023; gnomAD 0.00015; 1000 Genomes Project 30x 0.00016; 1000 Genomes Project 0.00020; ESP Exome Variant Server 0.00038.
gnomAD v4.1: 358 of 1,613,878 alleles (0.022%); highest among the groups gnomAD compares: Non-Finnish European, 0.027%; no homozygotes.

Submissions (5):

CeGaT Center for Human Genetics Tuebingen
Classification: Likely benign. Last evaluated: 2026-03-01. Review status: criteria provided, single submitter. Criteria: CeGaT Center For Human Genetics Tuebingen Variant Classification Criteria Version 2. Collection method: clinical testing. Allele origin: germline. Affected: yes. Observed: 1 variant allele.
Comment: KCNQ2: BP4, BP7

Labcorp Genetics (formerly Invitae), Labcorp
Classification: Likely benign for Early-infantile DEE. Last evaluated: 2025-10-29. Review status: criteria provided, single submitter. Criteria: Invitae Variant Classification Sherloc (09022015). Collection method: clinical testing. Allele origin: germline.

Blueprint Genetics
Classification: Likely benign. Last evaluated: 2023-10-23. Review status: criteria provided, single submitter. Criteria: ACMG Guidelines, 2015. Collection method: clinical testing. Allele origin: germline.

GeneDx
Classification: Likely benign. Last evaluated: 2018-06-28. Review status: criteria provided, single submitter. Criteria: GeneDx Variant Classification Process June 2021. Collection method: clinical testing. Allele origin: germline. Affected: yes.

Ambry Genetics
Classification: Likely benign for Inborn genetic diseases. Last evaluated: 2016-09-23. Review status: criteria provided, single submitter. Criteria: Ambry Variant Classification Scheme 2023. Collection method: clinical testing. Allele origin: germline.